The following is an entry in ClinVar:

NM_001367561.1(DOCK7):c.296_297del (p.Leu99fs)

Gene: DOCK7 (dedicator of cytokinesis 7; minus strand). Cytogenetic location: 1p31.3.
Variant type: Deletion.
Coding change: c.296_297del on transcript NM_001367561.1 (MANE Select); coding-DNA positions 296 to 297, 2 bases deleted (TT; older notation c.296_297delTT).
Protein change: p.Leu99fs; shifts the reading frame from leucine 99.
Molecular consequence: frameshift variant.
Genome position (GRCh38, 1-based): chr1:62,654,007-62,654,008, AA deleted on the plus strand (TT on the coding strand, the reverse complement: DOCK7 is on the minus strand). VCF-style (leftmost placement, unchanged base first): chr1-62654006-CAA-C. GRCh37 (hg19) VCF-style: chr1-63119677-CAA-C.
Other names: c.296_297del, p.Leu99fs (NM_001271999.2, NM_001272000.2, NM_001272001.2 and 3 more transcripts); short protein forms L99fs.
Identifiers: ClinVar variation 3648581 (VCV003648581.2).
Genomic context (GRCh38, chr1:62,654,006, plus strand): 5'-GTTCCTCTAAAGCCAAAAATAAGTCAATGTCTCCTTACCTTTCTTCAGGTACAGCTGAAA[CAA>C]GAGTTCTGCAGTCCCGAGGACTATAAACAACTTCAATATCATCTGGAGGAAATTCAATCA-3'

ClinVar aggregate classification (germline): Pathogenic (1 of 4 stars; one submission).

Conditions:
Developmental and epileptic encephalopathy, 23 (DEE23). Also called: Epileptic encephalopathy, early infantile, 23. Identifiers: Orphanet 411986, MedGen C4014492, MONDO:0014371, OMIM 615859.

Submission:

Labcorp Genetics (formerly Invitae), Labcorp
Classification: Pathogenic for Developmental and epileptic encephalopathy, 23. Last evaluated: 2024-04-03. Review status: criteria provided, single submitter. Criteria: Invitae Variant Classification Sherloc (09022015). Collection method: clinical testing. Allele origin: germline.
Comment: This sequence change creates a premature translational stop signal (p.Leu99Argfs*6) in the DOCK7 gene. It is expected to result in an absent or disrupted protein product. Loss-of-function variants in DOCK7 are known to be pathogenic (PMID: 24814191). This variant is not present in population databases (gnomAD no frequency). This variant has not been reported in the literature in individuals affected with DOCK7-related conditions. For these reasons, this variant has been classified as Pathogenic.

Literature cited by the submitters: PubMed 24814191.